The following is an entry in ClinVar:

ClinVar aggregate classification (germline): Conflicting classifications of pathogenicity. Review status: criteria provided, conflicting classifications (1 of 4 stars). 3 submissions from 3 submitters: Uncertain significance (1); Benign (1); Likely benign (1). Last evaluated 2025-06-23.

Conditions:
Inborn genetic diseases. Identifiers: MedGen C0950123, MeSH D030342.
Oculofaciocardiodental syndrome (MCOPS2). Identifiers: Orphanet 2712, MedGen C1846265, MONDO:0010261, OMIM 300166.

Allele frequency attached by ClinVar (database versions not stated): gnomAD 0.00005 and 0.00006; TOPMed 0.00008; gnomAD exomes 0.00009; ExAC 0.00013; ESP Exome Variant Server 0.00057.
gnomAD v4.1: 176 of 1,209,613 alleles (0.015%); highest among the groups gnomAD compares: Non-Finnish European, 0.019%; no homozygotes.

Submissions (3):

Labcorp Genetics (formerly Invitae), Labcorp
Classification: Benign for Oculofaciocardiodental syndrome. Last evaluated: 2025-06-23. Review status: criteria provided, single submitter. Criteria: Invitae Variant Classification Sherloc (09022015). Collection method: clinical testing. Allele origin: germline.

Ambry Genetics
Classification: Likely benign for Inborn genetic diseases. Last evaluated: 2022-12-06. Review status: criteria provided, single submitter. Criteria: Ambry Variant Classification Scheme 2023. Collection method: clinical testing. Allele origin: germline.

GeneDx
Classification: Uncertain significance. Last evaluated: 2022-06-13. Review status: criteria provided, single submitter. Criteria: GeneDx Variant Classification Process June 2021. Collection method: clinical testing. Allele origin: germline. Affected: yes.
Comment: In silico analysis supports that this missense variant has a deleterious effect on protein structure/function; Has not been previously published as pathogenic or benign to our knowledge

NM_001123385.2(BCOR):c.4960G>C (p.Val1654Leu)

Gene: BCOR (BCL6 corepressor; minus strand). Cytogenetic location: Xp11.4.
Variant type: single nucleotide variant.
Coding change: c.4960G>C on transcript NM_001123385.2 (MANE Select); coding-DNA position 4960, G replaced by C.
Protein change: p.Val1654Leu; replaces valine 1654 with leucine.
Molecular consequence: missense variant.
Genome position (GRCh38, 1-based): chrX:40,053,902, C>G on the plus strand (G>C on the coding strand, the complement: BCOR is on the minus strand). VCF-style: chrX-40053902-C-G. GRCh37 (hg19) VCF-style: chrX-39913155-C-G.
Other names: c.4858G>C, p.Val1620Leu (NM_001123383.2, NM_017745.6); c.4804G>C, p.Val1602Leu (NM_001123384.2); short protein forms V1654L, V1620L, V1602L.
Identifiers: ClinVar variation 701998 (VCV000701998.15), dbSNP rs138012019, ClinGen allele CA10386342.